The following is an entry in ClinVar:

NM_002439.5(MSH3):c.1654-2_1654delinsTAAG

Gene: MSH3 (mutS homolog 3; plus strand). Cytogenetic location: 5q14.1.
Variant type: Indel.
Coding change: c.1654-2_1654delinsTAAG on transcript NM_002439.5 (MANE Select); the canonical splice acceptor site of the intron before coding-DNA position 1654 through coding-DNA position 1654, AGA replaced by TAAG.
Molecular consequence: splice acceptor variant.
Genome position (GRCh38, 1-based): chr5:80,744,504-80,744,506, AGA replaced by TAAG. VCF-style: chr5-80744504-AGA-TAAG. GRCh37 (hg19) VCF-style: chr5-80040323-AGA-TAAG.
Identifiers: ClinVar variation 3913610 (VCV003913610.1).

ClinVar aggregate classification (germline): Likely pathogenic (1 of 4 stars; one submission).

Conditions:
Hereditary cancer-predisposing syndrome. Also called: Hereditary Cancer Syndrome; Hereditary neoplastic syndrome; Neoplastic Syndromes, Hereditary; Tumor predisposition. Identifiers: Orphanet 140162, MedGen C0027672, MeSH D009386, MONDO:0015356.

Submission:

Ambry Genetics
Classification: Likely pathogenic for Hereditary cancer-predisposing syndrome. Last evaluated: 2025-04-25. Review status: criteria provided, single submitter. Criteria: Ambry Variant Classification Scheme 2023. Collection method: clinical testing. Allele origin: germline.
Comment: The c.1654-2_1654delAGAinsTAAG variant, located in intron 11 and coding exon 12 of the MSH3 gene, results from an in-frame deletion of three nucleotides and insertion of 4 different nucleotides at nucleotide positions c.1654-2 to c.1654. This variant is considered to be rare based on population cohorts in the Genome Aggregation Database (gnomAD). These nucleotide positions are highly conserved in available vertebrate species. In silico splice site analysis predicts that this alteration will weaken the native splice acceptor site and will result in the creation or strengthening of a novel splice acceptor site. RNA studies have demonstrated that this alteration results in abnormal splicing in the set of samples tested (Ambry internal data). Alterations that disrupt the canonical splice site are expected to cause aberrant splicing, resulting in an abnormal protein or a transcript that is subject to nonsense-mediated mRNA decay. As such, this alteration is classified as likely pathogenic.